The following is an entry in ClinVar:

ClinVar aggregate classification (germline): Likely benign. Review status: criteria provided, single submitter (1 of 4 stars). 2 submissions from 2 submitters: Likely benign (1). 1 of the submissions does not count toward it. Last evaluated 2024-09-01.

Conditions:
DCHS2-related disorder. Also called: DCHS2-related condition.

Allele frequency attached by ClinVar (database versions not stated): 1000 Genomes Project 30x 0.00016; ExAC 0.00147; gnomAD 0.00212; TOPMed 0.00216; ESP Exome Variant Server 0.00277; gnomAD exomes 0.00375.
gnomAD v4.1: 5,668 of 1,612,574 alleles (0.35%); highest among the groups gnomAD compares: Non-Finnish European, 0.46%; 13 homozygotes.

Submissions (2):

CeGaT Center for Human Genetics Tuebingen
Classification: Likely benign. Last evaluated: 2024-09-01. Review status: criteria provided, single submitter. Criteria: CeGaT Center For Human Genetics Tuebingen Variant Classification Criteria Version 2. Collection method: clinical testing. Allele origin: germline. Affected: yes. Observed: 1 variant allele.
Comment: DCHS2: BS2; ENSG00000278981: BS2

PreventionGenetics, part of Exact Sciences
Classification: Likely benign for DCHS2-related condition. Last evaluated: 2022-09-12. Review status: no assertion criteria provided. Collection method: clinical testing. Allele origin: germline. Not counted in ClinVar's aggregate classification.
Comment: This variant is classified as likely benign based on ACMG/AMP sequence variant interpretation guidelines (Richards et al. 2015 PMID: 25741868, with internal and published modifications).

NM_001358235.2(DCHS2):c.7520T>G (p.Leu2507Ter)

Genes: DCHS2 (dachsous cadherin-related 2; minus strand), DCHS2-AS1 (DCHS2 antisense RNA 1; plus strand). Cytogenetic location: 4q31.3.
Variant type: single nucleotide variant.
Coding change: c.7520T>G on transcript NM_001358235.2 (MANE Select); coding-DNA position 7520, T replaced by G.
Protein change: p.Leu2507Ter; replaces leucine 2507 with a stop codon.
Molecular consequence: nonsense.
Genome position (GRCh38, 1-based): chr4:154,237,132, A>C on the plus strand (T>G on the coding strand, the complement: DCHS2 is on the minus strand). VCF-style: chr4-154237132-A-C. GRCh37 (hg19) VCF-style: chr4-155158284-A-C.
Other names: short protein forms L2507*.
Identifiers: ClinVar variation 3037966 (VCV003037966.16), dbSNP rs146298768, ClinGen allele CA3112102.